The following is an entry in ClinVar:

NM_000052.7(ATP7A):c.1544-872C>G

Gene: ATP7A (ATPase copper transporting alpha; plus strand). Cytogenetic location: Xq21.1.
Variant type: single nucleotide variant.
Coding change: c.1544-872C>G on transcript NM_000052.7 (MANE Select); 872 bases into the intron before coding-DNA position 1544, C replaced by G.
Molecular consequence: intron variant.
Genome position (GRCh38, 1-based): chrX:78,002,201, C>G. VCF-style: chrX-78002201-C-G. GRCh37 (hg19) VCF-style: chrX-77257698-C-G.
Other names: c.1544-872C>G (NM_001282224.2).
Identifiers: ClinVar variation 2627031 (VCV002627031.3), dbSNP rs2522322667, ClinGen allele CA2582342919.
Genomic context (GRCh38, chrX:78,002,201, plus strand): 5'-CTTACTGCAGCCTCCACCTCCCAGGGTCAAGTGATCTTCCCACCTCAGCTTCCTGAGTAA[C>G]TGAGACCACAGGCATGCACCACCATGCCCAGCTAATTTTTGTATTTTTTTTTTTTTTTTT-3'

ClinVar aggregate classification (germline): Pathogenic (0 of 4 stars; one submission).

Conditions:
Cutis laxa, X-linked (OHS). Also called: EDS IX; Occipital horn syndrome. Identifiers: Orphanet 198, MedGen C0268353, MONDO:0010572, OMIM 304150.

Submission:

Newman Lab, University of Manchester
Classification: Pathogenic for Cutis laxa, X-linked. Last evaluated: 2023-10-22. Review status: no assertion criteria provided. Collection method: clinical testing, research. Allele origin: maternal, not applicable. Inheritance: X-linked recessive inheritance. Affected: yes. Observed: 4 variant alleles, 4 hemizygotes. Clinical features observed: Limited elbow movement (HP:0002996), Chronic diarrhea (HP:0002028), Joint dislocation (HP:0001373), occipital horn, curly, wiry hair. Functional consequence: exon loss.
Comment: Segregated in a large family with multiple affected members with skeletal phenotype supported by functional splicing assays and mRNA analysis